The following is an entry in ClinVar:

NM_001134407.3(GRIN2A):c.3084G>C (p.Gln1028His)

Gene: GRIN2A (glutamate ionotropic receptor NMDA type subunit 2A; minus strand). Cytogenetic location: 16p13.2.
Variant type: single nucleotide variant.
Coding change: c.3084G>C on transcript NM_001134407.3 (MANE Select); coding-DNA position 3084, G replaced by C.
Protein change: p.Gln1028His; replaces glutamine 1028 with histidine.
Molecular consequence: missense variant.
Genome position (GRCh38, 1-based): chr16:9,764,460, C>G on the plus strand (G>C on the coding strand, the complement: GRIN2A is on the minus strand). VCF-style: chr16-9764460-C-G. GRCh37 (hg19) VCF-style: chr16-9858317-C-G.
Other names: c.3084G>C, p.Gln1028His (NM_000833.5, NM_001134408.2); short protein forms Q1028H.
Identifiers: ClinVar variation 930722 (VCV000930722.12), dbSNP rs796052554, ClinGen allele CA394708703.

ClinVar aggregate classification (germline): Uncertain significance. Review status: criteria provided, multiple submitters, no conflicts (2 of 4 stars). 2 submissions from 2 submitters: Uncertain significance (2). Last evaluated 2020-10-09.

Conditions:
Landau-Kleffner syndrome (FESD). Also called: EPILEPSY, FOCAL, WITH SPEECH DISORDER AND WITH OR WITHOUT MENTAL RETARDATION; APHASIA, ACQUIRED, WITH EPILEPSY. Identifiers: Orphanet 1945, Orphanet 725, Orphanet 98818, MedGen C0282512, MONDO:0009509, OMIM 245570.

Submissions (2):

Labcorp Genetics (formerly Invitae), Labcorp
Classification: Uncertain significance for Landau-Kleffner syndrome. Last evaluated: 2020-10-09. Review status: criteria provided, single submitter. Criteria: Invitae Variant Classification Sherloc (09022015). Collection method: clinical testing. Allele origin: germline.
Comment: This variant has not been reported in the literature in individuals with GRIN2A-related conditions. ClinVar contains an entry for this variant (Variation ID: 930722). This sequence change replaces glutamine with histidine at codon 1028 of the GRIN2A protein (p.Gln1028His). The glutamine residue is moderately conserved and there is a small physicochemical difference between glutamine and histidine. This variant is not present in population databases (ExAC no frequency). Advanced modeling of protein sequence and biophysical properties (such as structural, functional, and spatial information, amino acid conservation, physicochemical variation, residue mobility, and thermodynamic stability) performed at Invitae indicates that this missense variant is not expected to disrupt GRIN2A protein function. In summary, the available evidence is currently insufficient to determine the role of this variant in disease. Therefore, it has been classified as a Variant of Uncertain Significance.

Centre for Mendelian Genomics, University Medical Centre Ljubljana
Classification: Uncertain significance for Landau-Kleffner syndrome. Last evaluated: 2018-10-02. Review status: criteria provided, single submitter. Criteria: ACMG Guidelines, 2015. Collection method: clinical testing. Allele origin: unknown. Affected: yes.
Comment: This variant was classified as: Uncertain significance. The available evidence on this variant's pathogenicity is insufficient or conflicting. The following ACMG criteria were applied in classifying this variant: PM2,PB4.